The following is an entry in ClinVar:

ClinVar aggregate classification (germline): Uncertain significance. Review status: criteria provided, multiple submitters, no conflicts (2 of 4 stars). 3 submissions from 3 submitters: Uncertain significance (3). Last evaluated 2024-04-10.

Conditions:
Hereditary cancer-predisposing syndrome. Also called: Hereditary neoplastic syndrome; Neoplastic Syndromes, Hereditary; Tumor predisposition; Hereditary Cancer Syndrome. Identifiers: Orphanet 140162, MedGen C0027672, MeSH D009386, MONDO:0015356.
Parathyroid carcinoma (PRTC). Also called: Parathyroid gland carcinoma; CDC73-Related Parathyroid Carcinoma. Identifiers: Orphanet 143, MedGen C0687150, MONDO:0012004, OMIM 608266, HP:0006780.
Hyperparathyroidism 1 (HRPT1). Also called: HYPERPARATHYROIDISM, FAMILIAL ISOLATED PRIMARY. Identifiers: Orphanet 99879, MedGen C1840402, MONDO:0007767, OMIM 145000.
Hyperparathyroidism 2 with jaw tumors. Also called: HYPERPARATHYROIDISM, FAMILIAL PRIMARY, WITH MULTIPLE OSSIFYING JAW FIBROMAS; HYPERPARATHYROIDISM-JAW TUMOR SYNDROME, HEREDITARY; Hyperparathyroidism 2; Hyperparathyroidism-Jaw Tumor Syndrome. Identifiers: Orphanet 99880, MedGen C1704981, MONDO:0007768, OMIM 145001.

Submissions (3):

Labcorp Genetics (formerly Invitae), Labcorp
Classification: Uncertain significance for Parathyroid carcinoma. Last evaluated: 2024-04-10. Review status: criteria provided, single submitter. Criteria: Invitae Variant Classification Sherloc (09022015). Collection method: clinical testing. Allele origin: germline.
Comment: This sequence change replaces arginine, which is basic and polar, with proline, which is neutral and non-polar, at codon 268 of the CDC73 protein (p.Arg268Pro). This variant is not present in population databases (gnomAD no frequency). This variant has not been reported in the literature in individuals affected with CDC73-related conditions. ClinVar contains an entry for this variant (Variation ID: 462768). Advanced modeling of protein sequence and biophysical properties (such as structural, functional, and spatial information, amino acid conservation, physicochemical variation, residue mobility, and thermodynamic stability) performed at Invitae indicates that this missense variant is not expected to disrupt CDC73 protein function with a negative predictive value of 80%. In summary, the available evidence is currently insufficient to determine the role of this variant in disease. Therefore, it has been classified as a Variant of Uncertain Significance.

Fulgent Genetics
Classification: Uncertain significance for Hyperparathyroidism 1; Hyperparathyroidism 2 with jaw tumors; Parathyroid carcinoma. Last evaluated: 2024-03-13. Review status: criteria provided, single submitter. Criteria: ACMG Guidelines, 2015. Collection method: clinical testing. Allele origin: germline.

Ambry Genetics
Classification: Uncertain significance for Hereditary cancer-predisposing syndrome. Last evaluated: 2022-01-30. Review status: criteria provided, single submitter. Criteria: Ambry Variant Classification Scheme 2023. Collection method: clinical testing. Allele origin: germline.
Comment: The p.R268P variant (also known as c.803G>C), located in coding exon 8 of the CDC73 gene, results from a G to C substitution at nucleotide position 803. The arginine at codon 268 is replaced by proline, an amino acid with dissimilar properties. This amino acid position is conserved. In addition, the in silico prediction for this alteration is inconclusive. Since supporting evidence is limited at this time, the clinical significance of this alteration remains unclear.

NM_024529.5(CDC73):c.803G>C (p.Arg268Pro)

Gene: CDC73 (cell division cycle 73; plus strand). Cytogenetic location: 1q31.2.
Variant type: single nucleotide variant.
Coding change: c.803G>C on transcript NM_024529.5 (MANE Select); coding-DNA position 803, G replaced by C.
Protein change: p.Arg268Pro; replaces arginine 268 with proline.
Molecular consequence: missense variant.
Genome position (GRCh38, 1-based): chr1:193,147,940, G>C. VCF-style: chr1-193147940-G-C. GRCh37 (hg19) VCF-style: chr1-193117070-G-C.
Other names: short protein forms R268P.
Identifiers: ClinVar variation 462768 (VCV000462768.14), dbSNP rs750706815, ClinGen allele CA343964146.